The following is an entry in ClinVar:

NM_018941.4(CLN8):c.161G>A (p.Arg54His)

Gene: CLN8 (CLN8 transmembrane ER and ERGIC protein; plus strand). Cytogenetic location: 8p23.3.
Variant type: single nucleotide variant.
Coding change: c.161G>A on transcript NM_018941.4 (MANE Select); coding-DNA position 161, G replaced by A.
Protein change: p.Arg54His; replaces arginine 54 with histidine.
Molecular consequence: missense variant.
Genome position (GRCh38, 1-based): chr8:1,771,215, G>A. VCF-style: chr8-1771215-G-A. GRCh37 (hg19) VCF-style: chr8-1719381-G-A.
Other names: short protein forms R54H.
Identifiers: ClinVar variation 585708 (VCV000585708.11), dbSNP rs372268977, ClinGen allele CA4599220.

ClinVar aggregate classification (germline): Uncertain significance. Review status: criteria provided, multiple submitters, no conflicts (2 of 4 stars). 5 submissions from 5 submitters: Uncertain significance (4). 1 of the submissions does not count toward it. Last evaluated 2022-11-10.

Conditions:
Inborn genetic diseases. Identifiers: MedGen C0950123, MeSH D030342.
Neuronal ceroid lipofuscinosis 8 (CLN8). Also called: CLN8-Related Neuronal Ceroid-Lipofuscinosis. Identifiers: Orphanet 168491, Orphanet 228354, Orphanet 79264, MedGen C1838570, MONDO:0010830, OMIM 600143.
Neuronal ceroid lipofuscinosis. Also called: Neuronal Ceroid Lipofuscinoses. Identifiers: Orphanet 216, Orphanet 79263, MedGen C0027877, MONDO:0016295. Disease mechanism: loss of function.

Allele frequency attached by ClinVar (database versions not stated): ExAC 0.00001; gnomAD 0.00002; gnomAD exomes 0.00002 and 0.00004; TOPMed 0.00003; ESP Exome Variant Server 0.00008.
gnomAD v4.1: 68 of 1,613,806 alleles (0.0042%); highest among the groups gnomAD compares: Middle Eastern, 0.033%; no homozygotes.

Submissions (5):

Ambry Genetics
Classification: Uncertain significance for Inborn genetic diseases. Last evaluated: 2022-11-10. Review status: criteria provided, single submitter. Criteria: Ambry Variant Classification Scheme 2023. Collection method: clinical testing. Allele origin: germline.

Labcorp Genetics (formerly Invitae), Labcorp
Classification: Uncertain significance for Neuronal ceroid lipofuscinosis. Last evaluated: 2022-07-22. Review status: criteria provided, single submitter. Criteria: Invitae Variant Classification Sherloc (09022015). Collection method: clinical testing. Allele origin: germline.
Comment: This sequence change replaces arginine, which is basic and polar, with histidine, which is basic and polar, at codon 54 of the CLN8 protein (p.Arg54His). This variant is present in population databases (rs372268977, gnomAD 0.003%). This variant has not been reported in the literature in individuals affected with CLN8-related conditions. ClinVar contains an entry for this variant (Variation ID: 585708). Advanced modeling of protein sequence and biophysical properties (such as structural, functional, and spatial information, amino acid conservation, physicochemical variation, residue mobility, and thermodynamic stability) performed at Invitae indicates that this missense variant is not expected to disrupt CLN8 protein function. In summary, the available evidence is currently insufficient to determine the role of this variant in disease. Therefore, it has been classified as a Variant of Uncertain Significance.

GeneDx
Classification: Uncertain significance. Last evaluated: 2021-04-02. Review status: criteria provided, single submitter. Criteria: GeneDx Variant Classification Process June 2021. Collection method: clinical testing. Allele origin: germline. Affected: yes.
Comment: Not observed at a significant frequency in large population cohorts (Lek et al., 2016); In silico analysis supports that this missense variant has a deleterious effect on protein structure/function; Has not been previously published as pathogenic or benign to our knowledge

Athena Diagnostics
Classification: Uncertain significance. Last evaluated: 2017-12-21. Review status: criteria provided, single submitter. Criteria: Athena Diagnostics Criteria. Collection method: clinical testing. Allele origin: germline.

Natera, Inc.
Classification: Uncertain significance for Neuronal ceroid lipofuscinosis 8. Last evaluated: 2020-07-17. Review status: no assertion criteria provided. Collection method: clinical testing. Allele origin: germline. Not counted in ClinVar's aggregate classification.